The following is an entry in ClinVar:

NM_004320.6(ATP2A1):c.2164T>C (p.Ser722Pro)

Gene: ATP2A1 (ATPase sarcoplasmic/endoplasmic reticulum Ca2+ transporting 1; plus strand). Cytogenetic location: 16p11.2.
Variant type: single nucleotide variant.
Coding change: c.2164T>C on transcript NM_004320.6 (MANE Select); coding-DNA position 2164, T replaced by C.
Protein change: p.Ser722Pro; replaces serine 722 with proline.
Molecular consequence: missense variant.
Genome position (GRCh38, 1-based): chr16:28,901,926, T>C. VCF-style: chr16-28901926-T-C. GRCh37 (hg19) VCF-style: chr16-28913247-T-C.
Other names: c.1789T>C, p.Ser597Pro (NM_001286075.2); c.2164T>C, p.Ser722Pro (NM_173201.5); short protein forms S597P, S722P.
Identifiers: ClinVar variation 1916753 (VCV001916753.5), dbSNP rs2506353651, ClinGen allele CA395412721.

ClinVar aggregate classification (germline): Uncertain significance (1 of 4 stars; one submission).

Conditions:
Brody myopathy. Also called: BRODY DISEASE. Identifiers: Orphanet 53347, MedGen C1832918, MONDO:0010977, OMIM 601003.

Allele frequency attached by ClinVar (database versions not stated): gnomAD exomes below 0.00001.
gnomAD v4.1: 2 of 1,614,232 alleles (0.00012%); highest among the groups gnomAD compares: Non-Finnish European, 0.000085%; no homozygotes.

Submission:

Labcorp Genetics (formerly Invitae), Labcorp
Classification: Uncertain significance for Brody myopathy. Last evaluated: 2022-05-24. Review status: criteria provided, single submitter. Criteria: Invitae Variant Classification Sherloc (09022015). Collection method: clinical testing. Allele origin: germline.
Comment: This sequence change replaces serine, which is neutral and polar, with proline, which is neutral and non-polar, at codon 722 of the ATP2A1 protein (p.Ser722Pro). In summary, the available evidence is currently insufficient to determine the role of this variant in disease. Therefore, it has been classified as a Variant of Uncertain Significance. Algorithms developed to predict the effect of missense changes on protein structure and function are either unavailable or do not agree on the potential impact of this missense change (SIFT: "Deleterious"; PolyPhen-2: "Probably Damaging"; Align-GVGD: "Class C0"). This variant has not been reported in the literature in individuals affected with ATP2A1-related conditions. This variant is not present in population databases (gnomAD no frequency).